The following is an entry in ClinVar:

NM_000384.3(APOB):c.10093C>T (p.His3365Tyr)

Gene: APOB (apolipoprotein B; minus strand). Cytogenetic location: 2p24.1.
Variant type: single nucleotide variant.
Coding change: c.10093C>T on transcript NM_000384.3 (MANE Select); coding-DNA position 10093, C replaced by T.
Protein change: p.His3365Tyr; replaces histidine 3365 with tyrosine.
Molecular consequence: missense variant.
Genome position (GRCh38, 1-based): chr2:21,006,775, G>A on the plus strand (C>T on the coding strand, the complement: APOB is on the minus strand). VCF-style: chr2-21006775-G-A. GRCh37 (hg19) VCF-style: chr2-21229647-G-A.
Other names: c.10093C>T (NM_000384.2); short protein forms H3365Y.
Identifiers: ClinVar variation 4294338 (VCV004294338.2).

ClinVar aggregate classification (germline): Uncertain significance. Review status: criteria provided, multiple submitters, no conflicts (2 of 4 stars). 2 submissions from 2 submitters: Uncertain significance (2). Last evaluated 2025-08-28.

Conditions:
Familial hypercholesterolemia. Also called: Familial hypercholesterolaemia. Identifiers: MedGen C0020445, MONDO:0005439.

gnomAD v4.1: 1 of 1,614,078 alleles (0.000062%); highest among the groups gnomAD compares: East Asian, 0.0022%; no homozygotes.

Submissions (2):

Genetics Laboratory, Great Ormond Street Hospital NHS Foundation Trust, North Thames Genomic Laboratory Hub
Classification: Uncertain significance for Familial hypercholesterolaemia. Last evaluated: 2025-08-28. Review status: criteria provided, single submitter. Criteria: ACGS Best Practice Guidelines for Variant Classification in Rare Disease 2024 v1.2. Collection method: clinical testing. Allele origin: germline. Affected: yes.
Comment: PM2_moderate, PM1_moderate

GeneDx
Classification: Uncertain significance. Last evaluated: 2025-07-21. Review status: criteria provided, single submitter. Criteria: GeneDx Variant Classification Process June 2021. Collection method: clinical testing. Allele origin: germline. Affected: yes.
Comment: Not observed at significant frequency in large population cohorts (gnomAD); In silico analysis supports that this missense variant has a deleterious effect on protein structure/function; Has not been previously published as pathogenic or benign to our knowledge; Also known as p.(H3338Y)